The following is an entry in ClinVar:

NM_021067.5(GINS1):c.455G>A (p.Cys152Tyr)

Gene: GINS1 (GINS complex subunit 1; plus strand). Cytogenetic location: 20p11.21.
Variant type: single nucleotide variant.
Coding change: c.455G>A on transcript NM_021067.5 (MANE Select); coding-DNA position 455, G replaced by A.
Protein change: p.Cys152Tyr; replaces cysteine 152 with tyrosine.
Molecular consequence: missense variant. On other transcripts: non-coding transcript variant (1).
Genome position (GRCh38, 1-based): chr20:25,441,709, G>A. VCF-style: chr20-25441709-G-A. GRCh37 (hg19) VCF-style: chr20-25422345-G-A.
Other names: short protein forms C152Y.
Identifiers: ClinVar variation 487513 (VCV000487513.1), dbSNP rs376610445, ClinGen allele CA9796562.
Genomic context (GRCh38, chr20:25,441,709, plus strand): 5'-CACTGCATATTAAAAACTAATTTAGATAAAACATCTCTCATTTTTTCTTTCAGGTCCGGT[G>A]TCTAAAAGACTATGGAGAATTTGAAGTTGATGATGGCACTTCAGTCCTATTAAAAAAAAA-3'
Protein context (NP_066545.3, residues 142-162): PPKSLYIEVR[Cys152Tyr]LKDYGEFEVD

ClinVar aggregate classification (germline): Likely pathogenic. Review status: criteria provided, single submitter (1 of 4 stars). 2 submissions from 2 submitters: Likely pathogenic (1). 1 of the submissions does not count toward it. Last evaluated 2018-10-15.

Conditions:
Combined immunodeficiency due to GINS1 deficiency. Also called: IMMUNODEFICIENCY 55. Identifiers: Orphanet 505227, MedGen C5568132, MONDO:0044725, OMIM 617827.

Allele frequency attached by ClinVar (database versions not stated): gnomAD exomes below 0.00001 and 0.00001; TOPMed below 0.00001; gnomAD 0.00001; ExAC 0.00002; ESP Exome Variant Server 0.00008.
gnomAD v4.1: 4 of 1,539,584 alleles (0.00026%); highest among the groups gnomAD compares: African/African-American, 0.0014%; no homozygotes.

Submissions (2):

SIB Swiss Institute of Bioinformatics
Classification: Likely pathogenic for Combined immunodeficiency due to GINS1 deficiency. Last evaluated: 2018-10-15. Review status: criteria provided, single submitter. Criteria: ACMG Guidelines, 2015. Collection method: curation. Allele origin: germline.
Comment: This variant is interpreted as Likely Pathogenic, for Immunodeficiency 55, autosomal recessive. The following ACMG Tag(s) were applied: PM2 => Absent from controls (or at extremely low frequency if recessive) in Exome Sequencing Project, 1000 Genomes Project, or Exome Aggregation Consortium. PP3 => Multiple lines of computational evidence support a deleterious effect on the gene or gene product. PS3 => Well-established functional studies show a deleterious effect (PubMed 28414293). PM3-Supporting => PM3 downgraded in strength to Supporting (PubMed 28414293).

OMIM
Classification: Pathogenic for IMMUNODEFICIENCY 55. Last evaluated: 2018-01-09. Review status: no assertion criteria provided. Collection method: literature only. Allele origin: germline. Not counted in ClinVar's aggregate classification.

Literature cited by the submitters: PubMed 28414293 (cited by SIB Swiss Institute of Bioinformatics and OMIM).